The following is an entry in ClinVar:

NM_017780.4(CHD7):c.6065G>C (p.Cys2022Ser)

Gene: CHD7 (chromodomain helicase DNA binding protein 7; plus strand). Cytogenetic location: 8q12.2.
Variant type: single nucleotide variant.
Coding change: c.6065G>C on transcript NM_017780.4 (MANE Select); coding-DNA position 6065, G replaced by C.
Protein change: p.Cys2022Ser; replaces cysteine 2022 with serine.
Molecular consequence: missense variant. On other transcripts: intron variant (1).
Genome position (GRCh38, 1-based): chr8:60,852,668, G>C. VCF-style: chr8-60852668-G-C. GRCh37 (hg19) VCF-style: chr8-61765227-G-C.
Other names: c.1717-9561G>C (NM_001316690.1); short protein forms C2022S.
Identifiers: ClinVar variation 3252949 (VCV003252949.1), dbSNP rs2488036800.
Genomic context (GRCh38, chr8:60,852,668, plus strand): 5'-GGCTTGACAAAAAATCTGATGAGAGTTTGGAGAAATACTTCAGTTGTTTTGTGGCCATGT[G>C]TAGGCGAGTATGTCGAATGCCCGTCAAGCCAGATGATGGTAGGTACATTTAGCAACAAAG-3'
Protein context (NP_060250.2, residues 2012-2032): EKYFSCFVAM[Cys2022Ser]RRVCRMPVKP

ClinVar aggregate classification (germline): Uncertain significance (1 of 4 stars; one submission).

Submission:

GeneDx
Classification: Uncertain significance. Last evaluated: 2023-12-15. Review status: criteria provided, single submitter. Criteria: GeneDx Variant Classification Process June 2021. Collection method: clinical testing. Allele origin: germline. Affected: yes.
Comment: Not observed at significant frequency in large population cohorts (gnomAD); In silico analysis supports that this missense variant has a deleterious effect on protein structure/function; Has not been previously published as pathogenic or benign to our knowledge